The following is an entry in ClinVar:

ClinVar aggregate classification (germline): Uncertain significance. Review status: criteria provided, multiple submitters, no conflicts (2 of 4 stars). 2 submissions from 2 submitters: Uncertain significance (2). Last evaluated 2024-12-14.

Conditions:
Lethal multiple pterygium syndrome (LMPS). Identifiers: Orphanet 33108, MedGen C1854678, MONDO:0009668, OMIM 253290.
Inborn genetic diseases. Identifiers: MedGen C0950123, MeSH D030342.

Allele frequency attached by ClinVar (database versions not stated): ExAC 0.00001; gnomAD exomes 0.00001; TOPMed 0.00001; gnomAD 0.00002; ESP Exome Variant Server 0.00008.
gnomAD v4.1: 14 of 1,614,016 alleles (0.00087%); highest among the groups gnomAD compares: Middle Eastern, 0.05%; no homozygotes.

Submissions (2):

Ambry Genetics
Classification: Uncertain significance for Inborn genetic diseases. Last evaluated: 2024-12-14. Review status: criteria provided, single submitter. Criteria: Ambry Variant Classification Scheme 2023. Collection method: clinical testing. Allele origin: germline.

Labcorp Genetics (formerly Invitae), Labcorp
Classification: Uncertain significance for Lethal multiple pterygium syndrome. Last evaluated: 2024-09-17. Review status: criteria provided, single submitter. Criteria: Invitae Variant Classification Sherloc (09022015). Collection method: clinical testing. Allele origin: germline.
Comment: This sequence change replaces serine, which is neutral and polar, with threonine, which is neutral and polar, at codon 163 of the CHRNA1 protein (p.Ser163Thr). This variant is present in population databases (rs375645058, gnomAD 0.002%). This variant has not been reported in the literature in individuals affected with CHRNA1-related conditions. ClinVar contains an entry for this variant (Variation ID: 640790). Invitae Evidence Modeling of protein sequence and biophysical properties (such as structural, functional, and spatial information, amino acid conservation, physicochemical variation, residue mobility, and thermodynamic stability) indicates that this missense variant is not expected to disrupt CHRNA1 protein function with a negative predictive value of 80%. In summary, the available evidence is currently insufficient to determine the role of this variant in disease. Therefore, it has been classified as a Variant of Uncertain Significance.

NM_000079.4(CHRNA1):c.488G>C (p.Ser163Thr)

Gene: CHRNA1 (cholinergic receptor nicotinic alpha 1 subunit; minus strand). Cytogenetic location: 2q31.1.
Variant type: single nucleotide variant.
Coding change: c.488G>C on transcript NM_000079.4 (MANE Select); coding-DNA position 488, G replaced by C.
Protein change: p.Ser163Thr; replaces serine 163 with threonine.
Molecular consequence: missense variant.
Genome position (GRCh38, 1-based): chr2:174,754,271, C>G on the plus strand (G>C on the coding strand, the complement: CHRNA1 is on the minus strand). VCF-style: chr2-174754271-C-G. GRCh37 (hg19) VCF-style: chr2-175618999-C-G.
Other names: c.563G>C, p.Ser188Thr (NM_001039523.3); short protein forms S163T, S188T.
Identifiers: ClinVar variation 640790 (VCV000640790.4), dbSNP rs375645058, ClinGen allele CA1974540.